The following is an entry in ClinVar:

ClinVar aggregate classification (germline): Likely pathogenic (1 of 4 stars; one submission).

Conditions:
Maturity-onset diabetes of the young type 1. Also called: MILD JUVENILE DIABETES MELLITUS; MODY type 1; Diabetes mellitus MODY type 1; MODY HNF4A related; HNF4A-Related Maturity-Onset Diabetes of the Young Type 1; MODY, type I. Identifiers: Orphanet 552, MedGen C1852093, MONDO:0007452, OMIM 125850. Disease mechanism: loss of function.

Submission:

MVZ Medizinische Genetik Mainz
Classification: Likely pathogenic for Maturity-onset diabetes of the young type 1. Last evaluated: 2022-01-04. Review status: criteria provided, single submitter. Criteria: UK Practice Guidelines For Variant Classification V4 01 2020. Collection method: clinical testing. Allele origin: germline. Inheritance: Autosomal dominant inheritance. Affected: yes. Observed: 1 variant allele.
Comment: ACMG Criteria: PS2, PM1_SUP, PM2_SUP, PP3

NM_175914.5(HNF4A):c.282G>T (p.Arg94Ser)

Gene: HNF4A (hepatocyte nuclear factor 4 alpha; plus strand). Cytogenetic location: 20q13.12.
Variant type: single nucleotide variant.
Coding change: c.282G>T on transcript NM_175914.5 (MANE Select); coding-DNA position 282, G replaced by T.
Protein change: p.Arg94Ser; replaces arginine 94 with serine.
Molecular consequence: missense variant.
Genome position (GRCh38, 1-based): chr20:44,407,438, G>T. VCF-style: chr20-44407438-G-T. GRCh37 (hg19) VCF-style: chr20-43036078-G-T.
Other names: c.348G>T, p.Arg116Ser (NM_000457.6, NM_178849.3, NM_178850.3); c.282G>T, p.Arg94Ser (NM_001030003.3, NM_001030004.3); c.327G>T, p.Arg109Ser (NM_001258355.2); c.273G>T, p.Arg91Ser (NM_001287182.2, NM_001287183.2, NM_001287184.2); short protein forms R109S, R116S, R91S, R94S.
Identifiers: ClinVar variation 3236043 (VCV003236043.1), dbSNP rs1463516865, ClinGen allele CA409104295.